The following is an entry in ClinVar:

ClinVar aggregate classification (germline): Benign/Likely benign. Review status: criteria provided, multiple submitters, no conflicts (2 of 4 stars). 4 submissions from 4 submitters: Benign (1); Likely benign (3). Last evaluated 2026-01-28.

Conditions:
GLIS3-related disorder. Also called: GLIS3-related condition.
Neonatal diabetes mellitus with congenital hypothyroidism. Also called: NDH SYNDROME. Identifiers: Orphanet 79118, MedGen C1857775, MONDO:0012436, OMIM 610199.

Allele frequency attached by ClinVar (database versions not stated): ExAC 0.00042; gnomAD 0.00153 and 0.00160; TOPMed 0.00180; ESP Exome Variant Server 0.00192; 1000 Genomes Project 0.00200; 1000 Genomes Project 30x 0.00203.
gnomAD v4.1: 473 of 1,614,124 alleles (0.029%); highest among the groups gnomAD compares: African/African-American, 0.46%; 2 homozygotes.

Submissions (4):

PreventionGenetics, part of Exact Sciences
Classification: Likely benign for GLIS3-related condition. Last evaluated: 2026-01-28. Review status: criteria provided, single submitter. Criteria: ACMG Guidelines, 2015. Collection method: clinical testing. Allele origin: germline.
Comment: This variant is classified as likely benign based on ACMG/AMP sequence variant interpretation guidelines (Richards et al. 2015 PMID: 25741868, with internal and published modifications).

Labcorp Genetics (formerly Invitae), Labcorp
Classification: Benign. Last evaluated: 2026-01-06. Review status: criteria provided, single submitter. Criteria: Invitae Variant Classification Sherloc (09022015). Collection method: clinical testing. Allele origin: germline.

Illumina Laboratory Services, Illumina
Classification: Likely benign for Neonatal diabetes mellitus with congenital hypothyroidism. Last evaluated: 2017-11-16. Review status: criteria provided, single submitter. Criteria: ICSL Variant Classification Criteria 13 December 2019. Collection method: clinical testing. Allele origin: germline.
Comment: This variant was observed as part of a predisposition screen in an ostensibly healthy population. A literature search was performed for the gene, cDNA change, and amino acid change (where applicable). Publications were found based on this search. The evidence from the literature, in combination with allele frequency data from public databases where available, was sufficient to determine this variant is unlikely to cause disease. Therefore, this variant is classified as likely benign.

Breakthrough Genomics
Classification: Likely benign. Review status: criteria provided, single submitter. Criteria: ACMG Guidelines, 2015. Collection method: not provided. Allele origin: germline. Inheritance: Autosomal recessive inheritance. Affected: yes.

Literature cited by the submitters: PubMed 28253873 (cited by Illumina Laboratory Services, Illumina).

NM_001042413.2(GLIS3):c.1767G>T (p.Arg589=)

Gene: GLIS3 (GLIS family zinc finger 3; minus strand). Cytogenetic location: 9p24.2.
Variant type: single nucleotide variant.
Coding change: c.1767G>T on transcript NM_001042413.2 (MANE Select); coding-DNA position 1767, G replaced by T.
Protein change: p.Arg589=; no amino-acid change (arginine 589 retained).
Molecular consequence: synonymous variant.
Genome position (GRCh38, 1-based): chr9:3,937,133, C>A on the plus strand (G>T on the coding strand, the complement: GLIS3 is on the minus strand). VCF-style: chr9-3937133-C-A. GRCh37 (hg19) VCF-style: chr9-3937133-C-A.
Other names: c.1302G>T, p.Arg434= (NM_152629.4).
Identifiers: ClinVar variation 714385 (VCV000714385.13), dbSNP rs138100080, ClinGen allele CA4968083.
Genomic context (GRCh38, chr9:3,937,133, plus strand): 5'-ACTGAAGGCCTTCTGACAACCCGGATGCTGGCACAAATACGGCTTCTCGCCTGTGTGGCT[C>A]CGCAAGTGGATCTTGAGATTTTCAAGCCTTGAAAAGGCCTTCTCGCAACCTTCAAACTGC-3'
Protein context (NP_001035878.1, residues 579-599): SRLENLKIHL[Arg589=]SHTGEKPYLC